The following is an entry in ClinVar:

NM_003476.5(CSRP3):c.112+1G>A

Gene: CSRP3 (cysteine and glycine rich protein 3; minus strand). Cytogenetic location: 11p15.1.
Variant type: single nucleotide variant.
Coding change: c.112+1G>A on transcript NM_003476.5 (MANE Select); the canonical splice donor site of the intron after coding-DNA position 112, G replaced by A.
Molecular consequence: splice donor variant.
Genome position (GRCh38, 1-based): chr11:19,192,336, C>T on the plus strand (G>A on the coding strand, the complement: CSRP3 is on the minus strand). VCF-style: chr11-19192336-C-T. GRCh37 (hg19) VCF-style: chr11-19213883-C-T.
Other names: c.112+1G>A (NM_001369404.1, NM_003476.3).
Identifiers: ClinVar variation 222534 (VCV000222534.13), dbSNP rs746990436, ClinGen allele CA077487.

ClinVar aggregate classification (germline): Conflicting classifications of pathogenicity. Review status: criteria provided, conflicting classifications (1 of 4 stars). 3 submissions from 3 submitters: Likely pathogenic (1); Uncertain significance (2). Last evaluated 2026-01-27.

Conditions:
Cardiovascular phenotype. Identifiers: MedGen CN230736.
Hypertrophic cardiomyopathy 12. Identifiers: MedGen C2677491, MONDO:0012804, OMIM 612124.
Dilated cardiomyopathy 1M (CMD1M). Identifiers: Orphanet 154, MedGen C1843808, MONDO:0011840, OMIM 607482.

Allele frequency attached by ClinVar (database versions not stated): gnomAD exomes 0.00004 and 0.00002; TOPMed below 0.00001; ExAC 0.00007; gnomAD 0.00003.

Submissions (3):

Labcorp Genetics (formerly Invitae), Labcorp
Classification: Likely pathogenic for Hypertrophic cardiomyopathy 12; Dilated cardiomyopathy 1M. Last evaluated: 2026-01-27. Review status: criteria provided, single submitter. Criteria: Invitae Variant Classification Sherloc (09022015). Collection method: clinical testing. Allele origin: germline.
Comment: This sequence change affects a donor splice site in intron 3 of the CSRP3 gene. It is expected to disrupt RNA splicing. Variants that disrupt the donor or acceptor splice site typically lead to a loss of protein function (PMID: 16199547), and loss-of-function variants in CSRP3 are known to be pathogenic (PMID: 12642359, 14567970, 16352453, 20087448, 34558151). This variant is present in population databases (rs746990436, gnomAD 0.009%). Disruption of this splice site has been observed in individual(s) with hypertrophic cardiomyopathy (PMID: 27532257). ClinVar contains an entry for this variant (Variation ID: 222534). Algorithms developed to predict the effect of sequence changes on RNA splicing suggest that this variant may disrupt the consensus splice site. In summary, the currently available evidence indicates that the variant is pathogenic, but additional data are needed to prove that conclusively. Therefore, this variant has been classified as Likely Pathogenic.

Ambry Genetics
Classification: Uncertain significance for Cardiovascular phenotype. Last evaluated: 2025-04-02. Review status: criteria provided, single submitter. Criteria: Ambry Variant Classification Scheme 2023. Collection method: clinical testing. Allele origin: germline.
Comment: The c.112+1G>A intronic variant results from a G to A substitution one nucleotide after coding exon 1 of the CSRP3 gene. In silico splice site analysis predicts that this alteration may weaken the native splice donor site. The stop codon in the predicted resulting transcript occurs in the 5' end ofthe CSRP3 gene. As such, this alteration may escape nonsense-mediated mRNAdecay and/or be prone to rescue by reinitiation (Rivas et al. Science. 2015 May 8;348(6235):666-9; Lindeboom et al. Nat Genet. 2016 Oct;48(10):1112-8; Rhee et al. Sci Rep. 2017 May 10;7(1):1653). The exact functional effect of this alteration is unknown. This variant was reported in individual(s) with features consistent with hypertrophic cardiomyopathy (HCM) (Walsh R et al. Genet Med, 2017 Feb;19:192-203; Ambry internal data). This nucleotide position is highly conserved in available vertebrate species. Based on the available evidence, the clinical significance of this variant remains unclear.

Clinical Genetics Laboratory, Skane University Hospital Lund
Classification: Uncertain significance. Last evaluated: 2022-07-21. Review status: criteria provided, single submitter. Criteria: ACMG Guidelines, 2015. Collection method: clinical testing. Allele origin: germline. Affected: yes.

Literature cited by the submitters: PubMed 16199547 (cited by Labcorp Genetics (formerly Invitae), Labcorp); PubMed 12642359 (cited by Labcorp Genetics (formerly Invitae), Labcorp); PubMed 14567970 (cited by Labcorp Genetics (formerly Invitae), Labcorp); PubMed 16352453 (cited by Labcorp Genetics (formerly Invitae), Labcorp); PubMed 20087448 (cited by Labcorp Genetics (formerly Invitae), Labcorp); PubMed 34558151 (cited by Labcorp Genetics (formerly Invitae), Labcorp); PubMed 27532257 (cited by Labcorp Genetics (formerly Invitae), Labcorp and Ambry Genetics).